The following is an entry in ClinVar:

NM_001394372.1(BICRA):c.2182C>T (p.Pro728Ser)

Gene: BICRA (BRD4 interacting chromatin remodeling complex associated protein; plus strand). Cytogenetic location: 19q13.33.
Variant type: single nucleotide variant.
Coding change: c.2182C>T on transcript NM_001394372.1 (MANE Select); coding-DNA position 2182, C replaced by T.
Protein change: p.Pro728Ser; replaces proline 728 with serine.
Molecular consequence: missense variant.
Genome position (GRCh38, 1-based): chr19:47,682,051, C>T. VCF-style: chr19-47682051-C-T. GRCh37 (hg19) VCF-style: chr19-48185308-C-T.
Other names: c.2182C>T, p.Pro728Ser (NM_015711.3); short protein forms P728S.
Identifiers: ClinVar variation 3133884 (VCV003133884.1), dbSNP rs1243767799, ClinGen allele CA406617341.

ClinVar aggregate classification (germline): Uncertain significance (1 of 4 stars; one submission).

Submission:

Ambry Genetics
Classification: Uncertain significance. Last evaluated: 2023-11-30. Review status: criteria provided, single submitter. Criteria: Ambry Variant Classification Scheme 2023. Collection method: clinical testing. Allele origin: germline.
Comment: The c.2182C>T (p.P728S) alteration is located in exon 7 (coding exon 5) of the GLTSCR1 gene. This alteration results from a C to T substitution at nucleotide position 2182, causing the proline (P) at amino acid position 728 to be replaced by a serine (S). Based on data from gnomAD, the T allele has an overall frequency of 0.001% (1/165838) total alleles studied. The highest observed frequency was 0.004% (1/24140) of South Asian alleles. This amino acid position is well conserved in available vertebrate species. This alteration is predicted to be tolerated by in silico analysis. Based on insufficient or conflicting evidence, the clinical significance of this alteration remains unclear.